The following is an entry in ClinVar:

ClinVar aggregate classification (germline): Benign/Likely benign. Review status: criteria provided, multiple submitters, no conflicts (2 of 4 stars). 4 submissions from 4 submitters: Benign (1); Likely benign (3). Last evaluated 2025-06-11.

Conditions:
Hereditary cancer-predisposing syndrome. Also called: Neoplastic Syndromes, Hereditary; Tumor predisposition; Hereditary Cancer Syndrome; Hereditary neoplastic syndrome. Identifiers: Orphanet 140162, MedGen C0027672, MeSH D009386, MONDO:0015356.
Lynch syndrome. Identifiers: Orphanet 144, MedGen C4552100, MONDO:0005835. Disease mechanism: loss of function.
Hereditary nonpolyposis colorectal neoplasms. Identifiers: MedGen C0009405, MeSH D003123.
Lynch syndrome 5 (LYNCH5). Also called: Hereditary non-polyposis colorectal cancer, type 5; Colorectal cancer, hereditary nonpolyposis, type 5. Identifiers: Orphanet 144, MedGen C1833477, MONDO:0013710, OMIM 614350. Disease mechanism: loss of function.

gnomAD v4.1: 1 of 1,612,932 alleles (0.000062%); no homozygotes.

Submissions (4):

Labcorp Genetics (formerly Invitae), Labcorp
Classification: Likely benign for Hereditary nonpolyposis colorectal neoplasms. Last evaluated: 2025-06-11. Review status: criteria provided, single submitter. Criteria: Invitae Variant Classification Sherloc (09022015). Collection method: clinical testing. Allele origin: germline.

Myriad Genetics, Inc.
Classification: Benign for Lynch syndrome 5. Last evaluated: 2024-12-19. Review status: criteria provided, single submitter. Criteria: Myriad Autosomal Dominant, Autosomal Recessive and X-Linked Classification Criteria (2023). Collection method: clinical testing. Allele origin: unknown.
Comment: This variant is considered benign. This variant is a silent/synonymous amino acid change and it is not expected to impact splicing.

All of Us Research Program, National Institutes of Health
Classification: Likely benign for Lynch syndrome. Last evaluated: 2023-12-13. Review status: criteria provided, single submitter. Criteria: ACMG Guidelines, 2015. Collection method: clinical testing. Allele origin: germline. Inheritance: Autosomal dominant inheritance. Observed: 1 variant allele, 1 heterozygote.
Comment: This study involves interpretation of variants in research participants for the purpose of population health screening. Participant phenotype was not available at the time of variant classification. Additional details can be found in publication PMID: 35346344, PMCID: PMC8962531

Ambry Genetics
Classification: Likely benign for Hereditary cancer-predisposing syndrome. Last evaluated: 2019-11-09. Review status: criteria provided, single submitter. Criteria: Ambry Variant Classification Scheme 2023. Collection method: clinical testing. Allele origin: germline.

NM_000179.3(MSH6):c.669T>C (p.Asn223=)

Gene: MSH6 (mutS homolog 6; plus strand). Cytogenetic location: 2p16.3.
Variant type: single nucleotide variant.
Coding change: c.669T>C on transcript NM_000179.3 (MANE Select); coding-DNA position 669, T replaced by C.
Protein change: p.Asn223=; no amino-acid change (asparagine 223 retained).
Molecular consequence: synonymous variant. On other transcripts: 5 prime UTR variant (9), non-coding transcript variant (4), intron variant (1).
Genome position (GRCh38, 1-based): chr2:47,798,652, T>C. VCF-style: chr2-47798652-T-C. GRCh37 (hg19) VCF-style: chr2-48025791-T-C.
Other names: c.279T>C, p.Asn93= (NM_001281492.2); c.-238T>C (NM_001281493.2, NM_001281494.2, NM_001406811.1 and 6 more transcripts); c.765T>C, p.Asn255= (NM_001406795.1, NM_001406802.1); c.669T>C, p.Asn223= (NM_001406796.1, NM_001406798.1, NM_001406800.1 and 4 more transcripts); c.372T>C, p.Asn124= (NM_001406797.1, NM_001406801.1, NM_001406805.1 and 10 more transcripts); c.144T>C, p.Asn48= (NM_001406799.1, NM_001406806.1, NM_001406807.1); c.591T>C, p.Asn197= (NM_001406804.1); c.675T>C, p.Asn225= (NM_001406813.1); and 2 more.
Identifiers: ClinVar variation 1754962 (VCV001754962.7), dbSNP rs2104290215, ClinGen allele CA425995929.